The following is an entry in ClinVar:

ClinVar aggregate classification (germline): Uncertain significance. Review status: criteria provided, multiple submitters, no conflicts (2 of 4 stars). 4 submissions from 4 submitters: Uncertain significance (4). Last evaluated 2026-02-01.

Conditions:
Inborn genetic diseases. Identifiers: MedGen C0950123, MeSH D030342.
COL12A1-related disorder. Also called: COL12A1-related condition.
Ullrich congenital muscular dystrophy 2 (UCMD2). Identifiers: Orphanet 75840, MedGen C4225314, MONDO:0014654, OMIM 616470.
Bethlem myopathy 2 (BTHLM2). Identifiers: Orphanet 536516, Orphanet 610, MedGen C4225313, MONDO:0034022, OMIM 616471.

Allele frequency attached by ClinVar (database versions not stated): gnomAD 0.00001 and 0.00003; TOPMed 0.00005.
gnomAD v4.1: 35 of 1,593,154 alleles (0.0022%); highest among the groups gnomAD compares: Middle Eastern, 0.017%; no homozygotes.

Submissions (4):

Labcorp Genetics (formerly Invitae), Labcorp
Classification: Uncertain significance for Bethlem myopathy 2; Ullrich congenital muscular dystrophy 2. Last evaluated: 2026-02-01. Review status: criteria provided, single submitter. Criteria: Invitae Variant Classification Sherloc (09022015). Collection method: clinical testing. Allele origin: germline.
Comment: This sequence change replaces serine, which is neutral and polar, with leucine, which is neutral and non-polar, at codon 117 of the COL12A1 protein (p.Ser117Leu). This variant is present in population databases (rs753747530, gnomAD 0.004%). This missense change has been observed in individual(s) with clinical features of COL12A1-related conditions (PMID: 37079061; internal data). ClinVar contains an entry for this variant (Variation ID: 1025161). An algorithm developed to predict the effect of missense changes on protein structure and function (PolyPhen-2) suggests that this variant is likely to be tolerated. Algorithms developed to predict the effect of sequence changes on RNA splicing suggest that this variant may disrupt the consensus splice site. In summary, the available evidence is currently insufficient to determine the role of this variant in disease. Therefore, it has been classified as a Variant of Uncertain Significance.

PreventionGenetics, part of Exact Sciences
Classification: Uncertain significance for COL12A1-related condition. Last evaluated: 2025-08-25. Review status: criteria provided, single submitter. Criteria: ACMG Guidelines, 2015. Collection method: clinical testing. Allele origin: germline.
Comment: The COL12A1 c.350C>T variant is predicted to result in the amino acid substitution p.Ser117Leu. This variant was reported in the heterozygous state in an individual with joint hypermobility (Supplementary Table, Leone et al. 2023. PubMed ID: 37079061). This variant is reported in 0.0041% of alleles in individuals of European (Non-Finnish) descent in gnomAD. At this time, the clinical significance of this variant is uncertain due to the absence of conclusive functional and genetic evidence.

Mayo Clinic Laboratories, Mayo Clinic
Classification: Uncertain significance. Last evaluated: 2023-09-13. Review status: criteria provided, single submitter. Criteria: ACMG Guidelines, 2015. Collection method: clinical testing. Allele origin: germline. Observed: 1 variant allele.

Ambry Genetics
Classification: Uncertain significance for Inborn genetic diseases. Last evaluated: 2022-12-15. Review status: criteria provided, single submitter. Criteria: Ambry Variant Classification Scheme 2023. Collection method: clinical testing. Allele origin: germline.

Literature cited by the submitters: PubMed 37079061 (cited by Labcorp Genetics (formerly Invitae), Labcorp and Mayo Clinic Laboratories, Mayo Clinic).

NM_004370.6(COL12A1):c.350C>T (p.Ser117Leu)

Gene: COL12A1 (collagen type XII alpha 1 chain; minus strand). Cytogenetic location: 6q13.
Variant type: single nucleotide variant.
Coding change: c.350C>T on transcript NM_004370.6 (MANE Select); coding-DNA position 350, C replaced by T.
Protein change: p.Ser117Leu; replaces serine 117 with leucine.
Molecular consequence: missense variant. On other transcripts: intron variant (1).
Genome position (GRCh38, 1-based): chr6:75,191,745, G>A on the plus strand (C>T on the coding strand, the complement: COL12A1 is on the minus strand). VCF-style: chr6-75191745-G-A. GRCh37 (hg19) VCF-style: chr6-75901461-G-A.
Other names: p.Ser117Leu; c.73+10975C>T (NM_080645.3); c.350C>T (NM_004370.5); short protein forms S117L.
Identifiers: ClinVar variation 1025161 (VCV001025161.12), dbSNP rs753747530, ClinGen allele CA3894447.
Genomic context (GRCh38, chr6:75,191,745, plus strand): 5'-TAAGAGAAACACTCACTTTGTATCTCGGTTTTTCCAGGTTTCTTCTCCACTGGCTTTGTC[G>A]AACTACCTGTTTGAACTAAGTTAAAACTTTATTATTACAAAAGGAAATGAACCCAAGCAG-3'
Protein context (NP_004361.3, residues 107-127): IGQLTIQTGS[Ser117Leu]TKPVEKKPGK